The following is an entry in ClinVar:

ClinVar aggregate classification (germline): Conflicting classifications of pathogenicity. Review status: criteria provided, conflicting classifications (1 of 4 stars). 2 submissions from 2 submitters: Uncertain significance (1); Likely benign (1). Last evaluated 2026-05-01.

Conditions:
Early-infantile DEE. Also called: Early infantile epileptic encephalopathy; Early infantile epileptic encephalopathy with suppression bursts; Ohtahara syndrome. Identifiers: Orphanet 1934, MedGen C0393706, MONDO:0800491.

Allele frequency attached by ClinVar (database versions not stated): gnomAD exomes 0.00001; TOPMed 0.00001; ExAC 0.00002; gnomAD 0.00002; ESP Exome Variant Server 0.00008.

Submissions (2):

CeGaT Center for Human Genetics Tuebingen
Classification: Likely benign. Last evaluated: 2026-05-01. Review status: criteria provided, single submitter. Criteria: CeGaT Center For Human Genetics Tuebingen Variant Classification Criteria Version 2. Collection method: clinical testing. Allele origin: germline. Affected: yes. Observed: 1 variant allele.
Comment: SPTAN1: BP4

Labcorp Genetics (formerly Invitae), Labcorp
Classification: Uncertain significance for Early-infantile DEE. Last evaluated: 2024-10-16. Review status: criteria provided, single submitter. Criteria: Invitae Variant Classification Sherloc (09022015). Collection method: clinical testing. Allele origin: germline.
Comment: This sequence change replaces isoleucine, which is neutral and non-polar, with threonine, which is neutral and polar, at codon 1422 of the SPTAN1 protein (p.Ile1422Thr). This variant is present in population databases (rs140159000, gnomAD 0.002%). This variant has not been reported in the literature in individuals affected with SPTAN1-related conditions. ClinVar contains an entry for this variant (Variation ID: 661819). Invitae Evidence Modeling of protein sequence and biophysical properties (such as structural, functional, and spatial information, amino acid conservation, physicochemical variation, residue mobility, and thermodynamic stability) has been performed for this missense variant. However, the output from this modeling did not meet the statistical confidence thresholds required to predict the impact of this variant on SPTAN1 protein function. In summary, the available evidence is currently insufficient to determine the role of this variant in disease. Therefore, it has been classified as a Variant of Uncertain Significance.

NM_001130438.3(SPTAN1):c.4265T>C (p.Ile1422Thr)

Gene: SPTAN1 (spectrin alpha, non-erythrocytic 1; plus strand). Cytogenetic location: 9q34.11.
Variant type: single nucleotide variant.
Coding change: c.4265T>C on transcript NM_001130438.3 (MANE Select); coding-DNA position 4265, T replaced by C.
Protein change: p.Ile1422Thr; replaces isoleucine 1422 with threonine.
Molecular consequence: missense variant.
Genome position (GRCh38, 1-based): chr9:128,607,970, T>C. VCF-style: chr9-128607970-T-C. GRCh37 (hg19) VCF-style: chr9-131370249-T-C.
Other names: c.4205T>C, p.Ile1402Thr (NM_001195532.2, NM_001363765.2); c.4265T>C, p.Ile1422Thr (NM_001363759.2, NM_003127.4); short protein forms I1402T, I1422T.
Identifiers: ClinVar variation 661819 (VCV000661819.13), dbSNP rs140159000, ClinGen allele CA5265151.